The following is an entry in ClinVar:

NM_001943.5(DSG2):c.802A>G (p.Asn268Asp)

Gene: DSG2 (desmoglein 2; plus strand). Cytogenetic location: 18q12.1.
Variant type: single nucleotide variant.
Coding change: c.802A>G on transcript NM_001943.5 (MANE Select); coding-DNA position 802, A replaced by G.
Protein change: p.Asn268Asp; replaces asparagine 268 with aspartic acid.
Molecular consequence: missense variant.
Genome position (GRCh38, 1-based): chr18:31,524,559, A>G. VCF-style: chr18-31524559-A-G. GRCh37 (hg19) VCF-style: chr18-29104522-A-G.
Other names: short protein forms N268D.
Identifiers: ClinVar variation 4777864 (VCV004777864.1).

ClinVar aggregate classification (germline): Uncertain significance (1 of 4 stars; one submission).

Conditions:
Arrhythmogenic right ventricular dysplasia 10. Also called: Arrhythmogenic Right Ventricular Dysplasia/Cardiomyopathy10; ARRHYTHMOGENIC RIGHT VENTRICULAR DYSPLASIA, FAMILIAL, 10; Arrhythmogenic right ventricular dysplasia/cardiomyopathy, type 10. Identifiers: MedGen C1857777, MONDO:0012434, OMIM 610193.

gnomAD v4.1: 1 of 1,614,116 alleles (0.000062%); highest among the groups gnomAD compares: South Asian, 0.0011%; no homozygotes.

Submission:

Labcorp Genetics (formerly Invitae), Labcorp
Classification: Uncertain significance for Arrhythmogenic right ventricular dysplasia 10. Last evaluated: 2025-08-11. Review status: criteria provided, single submitter. Criteria: Invitae Variant Classification Sherloc (09022015). Collection method: clinical testing. Allele origin: germline.
Comment: This sequence change replaces asparagine, which is neutral and polar, with aspartic acid, which is acidic and polar, at codon 268 of the DSG2 protein (p.Asn268Asp). This variant is not present in population databases (gnomAD no frequency). This variant has not been reported in the literature in individuals affected with DSG2-related conditions. Invitae Evidence Modeling of protein sequence and biophysical properties (such as structural, functional, and spatial information, amino acid conservation, physicochemical variation, residue mobility, and thermodynamic stability) has been performed for this missense variant. However, the output from this modeling did not meet the statistical confidence thresholds required to predict the impact of this variant on DSG2 protein function. In summary, the available evidence is currently insufficient to determine the role of this variant in disease. Therefore, it has been classified as a Variant of Uncertain Significance.